The following is an entry in ClinVar:

ClinVar aggregate classification (germline): Uncertain significance. Review status: criteria provided, multiple submitters, no conflicts (2 of 4 stars). 2 submissions from 2 submitters: Uncertain significance (2). Last evaluated 2026-09-14.

Conditions:
Progressive microcephaly-seizures-cortical blindness-developmental delay syndrome. Also called: Seizures, cortical blindness, and microcephaly syndrome. Identifiers: Orphanet 477814, MedGen C5567650, MONDO:0014714, OMIM 616632.
Autosomal dominant nonsyndromic hearing loss 1. Also called: DEAFNESS, AUTOSOMAL DOMINANT 1, WITH OR WITHOUT THROMBOCYTOPENIA; KONIGSMARK SYNDROME. Identifiers: Orphanet 90635, MedGen C1852282, MONDO:0007424, OMIM 124900.
DIAPH1-related disorder. Also called: DIAPH1-related condition.

Submissions (2):

PreventionGenetics, part of Exact Sciences
Classification: Uncertain significance for DIAPH1-related condition. Last evaluated: 2026-09-14. Review status: criteria provided, single submitter. Criteria: ACMG Guidelines, 2015. Collection method: clinical testing. Allele origin: germline.
Comment: The DIAPH1 c.1836_1853dup18 variant is predicted to result in an in-frame duplication (p.Pro615_Pro620dup). To our knowledge, this variant has not been reported in the literature or in a large population database (gnomAD), indicating this variant is rare. At this time, the clinical significance of this variant is uncertain due to the absence of conclusive functional and genetic evidence.

Labcorp Genetics (formerly Invitae), Labcorp
Classification: Uncertain significance for Progressive microcephaly-seizures-cortical blindness-developmental delay syndrome; Autosomal dominant nonsyndromic hearing loss 1. Last evaluated: 2023-10-20. Review status: criteria provided, single submitter. Criteria: Invitae Variant Classification Sherloc (09022015). Collection method: clinical testing. Allele origin: germline.
Comment: This variant, c.1836_1853dup, results in the insertion of 6 amino acid(s) of the DIAPH1 protein (p.Pro615_Pro620dup), but otherwise preserves the integrity of the reading frame. This variant is not present in population databases (gnomAD no frequency). This variant has not been reported in the literature in individuals affected with DIAPH1-related conditions. ClinVar contains an entry for this variant (Variation ID: 964310). Experimental studies and prediction algorithms are not available or were not evaluated, and the functional significance of this variant is currently unknown. In summary, the available evidence is currently insufficient to determine the role of this variant in disease. Therefore, it has been classified as a Variant of Uncertain Significance.

NM_005219.5(DIAPH1):c.1821TCC[17] (p.Pro615_Pro620dup)

Gene: DIAPH1 (diaphanous related formin 1; minus strand). Cytogenetic location: 5q31.3.
Variant type: Microsatellite.
Coding change: c.1821TCC[17] on transcript NM_005219.5 (MANE Select); 17 copies in a row of the 3-base unit TCC starting at c.1821; the reference has 11 copies in a row; six copies, 18 bases duplicated.
Protein change: p.Pro615_Pro620dup.
Molecular consequence: inframe insertion.
Genome position (GRCh38, 1-based): chr5:141,573,997-141,574,014, GGAGGAGGAGGAGGAGGA duplicated on the plus strand (TCCTCCTCCTCCTCCTCC on the coding strand, the reverse complement: DIAPH1 is on the minus strand); duplicating any 18 consecutive bases within chr5:141,573,997-141,574,030 gives the same sequence; the position shown is the placement nearest the transcript's 3' end. VCF-style (leftmost placement, unchanged base first): chr5-141573996-T-TGGAGGAGGAGGAGGAGGA. GRCh37 (hg19) VCF-style: chr5-140953563-T-TGGAGGAGGAGGAGGAGGA.
Other names: c.1836_1853dup18 (NM_005219.4); c.1794TCC[17], p.Pro606_Pro611dup (NM_001079812.3); c.1821TCC[17], p.Pro615_Pro620dup (NM_001314007.2).
Identifiers: ClinVar variation 964310 (VCV000964310.8), dbSNP rs3075570, ClinGen allele CA1587248140.